The following is an entry in ClinVar:

ClinVar aggregate classification (germline): Pathogenic/Likely pathogenic. Review status: criteria provided, multiple submitters, no conflicts (2 of 4 stars). 2 submissions from 2 submitters: Pathogenic (1); Likely pathogenic (1). Last evaluated 2020-06-26.

Conditions:
Spastic paraplegia. Identifiers: MedGen C0037772, HP:0001258.

Submissions (2):

Labcorp Genetics (formerly Invitae), Labcorp
Classification: Likely pathogenic for Spastic paraplegia. Last evaluated: 2020-06-26. Review status: criteria provided, single submitter. Criteria: Invitae Variant Classification Sherloc (09022015). Collection method: clinical testing. Allele origin: germline.
Comment: This variant is not present in population databases (ExAC no frequency). In summary, the currently available evidence indicates that the variant is pathogenic, but additional data are needed to prove that conclusively. Therefore, this variant has been classified as Likely Pathogenic. Donor and acceptor splice site variants typically lead to a loss of protein function (PMID: 16199547), and loss-of-function variants in SLC16A2 are known to be pathogenic (PMID: 20083155, 25527620). This sequence change affects an acceptor splice site in intron 2 of the SLC16A2 gene. It is expected to disrupt RNA splicing and likely results in an absent or disrupted protein product. Algorithms developed to predict the effect of sequence changes on RNA splicing suggest that this variant may disrupt the consensus splice site, but this prediction has not been confirmed by published transcriptional studies. Disruption of this splice site (also known as EX3-1G>C) has been observed in individual(s) with clinical features of X-linked SLC16A2-specific thyroid hormone cell transporter deficiency (PMID: 16957765). ClinVar contains an entry for this variant (Variation ID: 281817).

Eurofins Ntd Llc (ga)
Classification: Pathogenic. Last evaluated: 2015-07-09. Review status: criteria provided, single submitter. Criteria: EGL Classification Definitions 2015. Collection method: clinical testing. Allele origin: germline. Observed: 2 variant alleles, 2 hemizygotes.

Literature cited by the submitters: PubMed 16199547 (cited by Labcorp Genetics (formerly Invitae), Labcorp); PubMed 20083155 (cited by Labcorp Genetics (formerly Invitae), Labcorp); PubMed 25527620 (cited by Labcorp Genetics (formerly Invitae), Labcorp); PubMed 16957765 (cited by Labcorp Genetics (formerly Invitae), Labcorp).

NM_006517.5(SLC16A2):c.576-1G>A

Gene: SLC16A2 (solute carrier family 16 member 2; plus strand). Cytogenetic location: Xq13.2.
Variant type: single nucleotide variant.
Coding change: c.576-1G>A on transcript NM_006517.5 (MANE Select); the canonical splice acceptor site of the intron before coding-DNA position 576, G replaced by A.
Molecular consequence: splice acceptor variant.
Genome position (GRCh38, 1-based): chrX:74,524,358, G>A. VCF-style: chrX-74524358-G-A. GRCh37 (hg19) VCF-style: chrX-73744193-G-A.
Identifiers: ClinVar variation 281817 (VCV000281817.15), dbSNP rs886042238, ClinGen allele CA10603974.